The following is an entry in ClinVar:

NM_020937.4(FANCM):c.2316G>A (p.Glu772=)

Gene: FANCM (FA complementation group M; plus strand). Cytogenetic location: 14q21.2.
Variant type: single nucleotide variant.
Coding change: c.2316G>A on transcript NM_020937.4 (MANE Select); coding-DNA position 2316, G replaced by A.
Protein change: p.Glu772=; no amino-acid change (glutamic acid 772 retained).
Molecular consequence: synonymous variant.
Genome position (GRCh38, 1-based): chr14:45,173,210, G>A. VCF-style: chr14-45173210-G-A. GRCh37 (hg19) VCF-style: chr14-45642413-G-A.
Other names: c.2238G>A, p.Glu746= (NM_001308133.2).
Identifiers: ClinVar variation 2761818 (VCV002761818.3), dbSNP rs2139235404, ClinGen allele CA486140398.

ClinVar aggregate classification (germline): Uncertain significance (1 of 4 stars; one submission).

Conditions:
Fanconi anemia (FA). Also called: Fanconi's anemia. Identifiers: Orphanet 84, MedGen C0015625, MeSH D005199, MONDO:0019391.

Submission:

Labcorp Genetics (formerly Invitae), Labcorp
Classification: Uncertain significance for Fanconi anemia. Last evaluated: 2023-06-03. Review status: criteria provided, single submitter. Criteria: Invitae Variant Classification Sherloc (09022015). Collection method: clinical testing. Allele origin: germline.
Comment: In summary, the available evidence is currently insufficient to determine the role of this variant in disease. Therefore, it has been classified as a Variant of Uncertain Significance. Variants that disrupt the consensus splice site are a relatively common cause of aberrant splicing (PMID: 17576681, 9536098). Algorithms developed to predict the effect of sequence changes on RNA splicing suggest that this variant may disrupt the consensus splice site. This variant has not been reported in the literature in individuals affected with FANCM-related conditions. This variant is not present in population databases (gnomAD no frequency). This sequence change affects codon 772 of the FANCM mRNA. It is a 'silent' change, meaning that it does not change the encoded amino acid sequence of the FANCM protein. This variant also falls at the last nucleotide of exon 13, which is part of the consensus splice site for this exon.

Literature cited by the submitters: PubMed 17576681; PubMed 9536098.